The following is an entry in ClinVar:

ClinVar aggregate classification (germline): Uncertain significance. Review status: criteria provided, multiple submitters, no conflicts (2 of 4 stars). 3 submissions from 3 submitters: Uncertain significance (3). Last evaluated 2024-10-04.

Conditions:
Retinitis pigmentosa 71 (RP71). Identifiers: Orphanet 791, MedGen C4225342, MONDO:0014618, OMIM 616394.
Bardet-Biedl syndrome 20. Identifiers: MedGen C4310707, MONDO:0023670, OMIM 619471, MONDO:0014926.
Short-rib thoracic dysplasia 10 with or without polydactyly (SRTD10). Identifiers: Orphanet 474, MedGen C3810175, MONDO:0014284, OMIM 615630.

Allele frequency attached by ClinVar (database versions not stated): ExAC 0.00001; gnomAD exomes 0.00001 and 0.00002; TOPMed 0.00002.
gnomAD v4.1: 14 of 1,613,882 alleles (0.00087%); highest among the groups gnomAD compares: East Asian, 0.02%; no homozygotes.

Submissions (3):

Blueprint Genetics
Classification: Uncertain significance. Last evaluated: 2024-10-04. Review status: criteria provided, single submitter. Criteria: ACMG Guidelines, 2015. Collection method: clinical testing. Allele origin: germline.

Fulgent Genetics
Classification: Uncertain significance for Short-rib thoracic dysplasia 10 with or without polydactyly; Retinitis pigmentosa 71; Bardet-Biedl syndrome 20. Last evaluated: 2023-12-28. Review status: criteria provided, single submitter. Criteria: ACMG Guidelines, 2015. Collection method: clinical testing. Allele origin: germline.

Labcorp Genetics (formerly Invitae), Labcorp
Classification: Uncertain significance for Retinitis pigmentosa 71; Short-rib thoracic dysplasia 10 with or without polydactyly. Last evaluated: 2022-02-08. Review status: criteria provided, single submitter. Criteria: Invitae Variant Classification Sherloc (09022015). Collection method: clinical testing. Allele origin: germline.
Comment: In summary, the available evidence is currently insufficient to determine the role of this variant in disease. Therefore, it has been classified as a Variant of Uncertain Significance. Algorithms developed to predict the effect of missense changes on protein structure and function are either unavailable or do not agree on the potential impact of this missense change (SIFT: "Deleterious"; PolyPhen-2: "Probably Damaging"; Align-GVGD: "Class C0"). ClinVar contains an entry for this variant (Variation ID: 1000290). This variant has not been reported in the literature in individuals affected with IFT172-related conditions. This variant is present in population databases (rs753783467, gnomAD 0.03%). This sequence change replaces arginine, which is basic and polar, with cysteine, which is neutral and slightly polar, at codon 136 of the IFT172 protein (p.Arg136Cys).

NM_015662.3(IFT172):c.406C>T (p.Arg136Cys)

Gene: IFT172 (intraflagellar transport 172; minus strand). Cytogenetic location: 2p23.3.
Variant type: single nucleotide variant.
Coding change: c.406C>T on transcript NM_015662.3 (MANE Select); coding-DNA position 406, C replaced by T.
Protein change: p.Arg136Cys; replaces arginine 136 with cysteine.
Molecular consequence: missense variant.
Genome position (GRCh38, 1-based): chr2:27,483,656, G>A on the plus strand (C>T on the coding strand, the complement: IFT172 is on the minus strand). VCF-style: chr2-27483656-G-A. GRCh37 (hg19) VCF-style: chr2-27706523-G-A.
Other names: short protein forms R136C.
Identifiers: ClinVar variation 1000290 (VCV001000290.12), dbSNP rs753783467, ClinGen allele CA1580987.